The following is an entry in ClinVar:

ClinVar aggregate classification (germline): Uncertain significance (1 of 4 stars; one submission).

Submission:

GeneDx
Classification: Uncertain significance. Last evaluated: 2025-04-25. Review status: criteria provided, single submitter. Criteria: GeneDx Variant Classification Process June 2021. Collection method: clinical testing. Allele origin: germline. Affected: yes.
Comment: Located in one of the three hot-spot regions of the RYR2 gene, where the majority of pathogenic missense variants occur (PMID: 19926015); In silico analysis supports that this missense variant has a deleterious effect on protein structure/function; Not observed at significant frequency in large population cohorts (gnomAD); Has not been previously published as pathogenic or benign to our knowledge; This variant is associated with the following publications: (PMID: 19926015)

NM_001035.3(RYR2):c.12005T>A (p.Met4002Lys)

Gene: RYR2 (ryanodine receptor 2; plus strand). Cytogenetic location: 1q43.
Variant type: single nucleotide variant.
Coding change: c.12005T>A on transcript NM_001035.3 (MANE Select); coding-DNA position 12005, T replaced by A.
Protein change: p.Met4002Lys; replaces methionine 4002 with lysine.
Molecular consequence: missense variant.
Genome position (GRCh38, 1-based): chr1:237,783,717, T>A. VCF-style: chr1-237783717-T-A. GRCh37 (hg19) VCF-style: chr1-237947017-T-A.
Other names: short protein forms M4002K.
Identifiers: ClinVar variation 4527428 (VCV004527428.1).
Genomic context (GRCh38, chr1:237,783,717, plus strand): 5'-CAACTGCTTTACCACCAGGTAATGTTGTTAATGGAACGATTGGCAAACAGATGGTGGATA[T>A]GCTTGTGGAATCTTCCAACAACGTGGAGATGATTCTCAAATTTTTTGACATGTTCTTAAA-3'
Protein context (NP_001026.2, residues 3992-4012): NGTIGKQMVD[Met4002Lys]LVESSNNVEM